The following is an entry in ClinVar:

ClinVar aggregate classification (germline): Conflicting classifications of pathogenicity. Review status: criteria provided, conflicting classifications (1 of 4 stars). 8 submissions from 8 submitters: Uncertain significance (5); Likely benign (1). 2 of the submissions do not count toward it. Last evaluated 2026-06-22.

Conditions:
Cardiovascular phenotype. Identifiers: MedGen CN230736.
Arrhythmogenic right ventricular cardiomyopathy (ARVD). Also called: Arrhythmogenic cardiomyopathy; Arrhythmogenic right ventricular dysplasia; Arrhythmogenic Right Ventricular Cardiomyopathy (ARVC); Cardiomyopathy, ARVC. Identifiers: Orphanet 247, MedGen C0349788, MeSH D019571, MONDO:0016587. Disease mechanism: loss of function. Inheritance: Various modes of inheritance.
Cardiomyopathy (CMYO). Also called: Cardiomyopathies. Identifiers: Orphanet 167848, MedGen C0878544, MONDO:0004994, HP:0001638. Inheritance: Various modes of inheritance.
Arrhythmogenic right ventricular dysplasia 10. Also called: Arrhythmogenic Right Ventricular Dysplasia/Cardiomyopathy10; Arrhythmogenic right ventricular dysplasia/cardiomyopathy, type 10; ARRHYTHMOGENIC RIGHT VENTRICULAR DYSPLASIA, FAMILIAL, 10. Identifiers: MedGen C1857777, MONDO:0012434, OMIM 610193.

Allele frequency attached by ClinVar (database versions not stated): ExAC 0.00005; gnomAD exomes 0.00005; TOPMed 0.00008.

Submissions (8):

Ambry Genetics
Classification: Uncertain significance for Cardiovascular phenotype. Last evaluated: 2026-06-22. Review status: criteria provided, single submitter. Criteria: Ambry Variant Classification Scheme 2023. Collection method: clinical testing. Allele origin: germline.
Comment: The c.862G>A (p.V288I) alteration is located in exon 8 (coding exon 8) of the DSG2 gene. This alteration results from a G to A substitution at nucleotide position 862, causing the valine (V) at amino acid position 288 to be replaced by an isoleucine (I). Based on data from gnomAD, the A allele has an overall frequency of 0.005% (12/249358) total alleles studied. The highest observed frequency was 0.009% (10/113102) of European (non-Finnish) alleles. Based on insufficient or conflicting evidence, the clinical significance of this alteration remains unclear.

Women's Health and Genetics/Laboratory Corporation of America, LabCorp
Classification: Likely benign. Last evaluated: 2026-02-09. Review status: criteria provided, single submitter. Criteria: LabCorp Variant Classification Summary - May 2015. Collection method: clinical testing. Allele origin: germline.
Comment: Variant summary: DSG2 c.862G>A (p.Val288Ile) results in a conservative amino acid change located in the Cadherin-like domain (IPR002126) of the encoded protein sequence. Algorithms developed to predict the effect of missense changes on protein structure and function are either unavailable or do not agree on the potential impact of this missense change. The variant allele was found at a frequency of 4.8e-05 in 249358 control chromosomes, predominantly at a frequency of 8.8e-05 within the Non-Finnish European subpopulation in the gnomAD database. The observed variant frequency within Non-Finnish European control individuals in the gnomAD database exceeds the estimated maximal expected allele frequency for disease-causing variants in DSG2. c.862G>A has been observed in individual(s) affected with Cardiomyopathy without strong evidence for causality (example: Verdonschot_2020). These report(s) do not provide unequivocal conclusions about association of the variant with Arrhythmia. To our knowledge, no experimental evidence demonstrating an impact on protein function has been reported. The following publications have been ascertained in the context of this evaluation (PMID: 30985088, 32880476). ClinVar contains an entry for this variant (Variation ID: 199829). Based on the evidence outlined above, the variant was classified as likely benign.

Labcorp Genetics (formerly Invitae), Labcorp
Classification: Uncertain significance for Arrhythmogenic right ventricular dysplasia 10. Last evaluated: 2026-01-27. Review status: criteria provided, single submitter. Criteria: Invitae Variant Classification Sherloc (09022015). Collection method: clinical testing. Allele origin: germline.
Comment: This sequence change replaces valine, which is neutral and non-polar, with isoleucine, which is neutral and non-polar, at codon 288 of the DSG2 protein (p.Val288Ile). This variant is present in population databases (rs780374242, gnomAD 0.009%). This missense change has been observed in individual(s) with cardiomyopathy and/or dilated cardiomyopathy (PMID: 30847666, 32880476, 37477868). ClinVar contains an entry for this variant (Variation ID: 199829). Invitae Evidence Modeling of protein sequence and biophysical properties (such as structural, functional, and spatial information, amino acid conservation, physicochemical variation, residue mobility, and thermodynamic stability) indicates that this missense variant is not expected to disrupt DSG2 protein function with a negative predictive value of 95%. In summary, the available evidence is currently insufficient to determine the role of this variant in disease. Therefore, it has been classified as a Variant of Uncertain Significance.

Color Diagnostics, LLC DBA Color Health
Classification: Uncertain significance for Cardiomyopathy. Last evaluated: 2025-04-09. Review status: criteria provided, single submitter. Criteria: ACMG Guidelines, 2015. Collection method: clinical testing. Allele origin: germline.
Comment: This missense variant replaces valine with isoleucine at codon 288 of the DSG2 protein. Computational prediction suggests that this variant may not impact protein structure and function. To our knowledge, functional studies have not been reported for this variant. This variant has been reported in individuals affected with dilated cardiomyopathy or an unspecified cardiomyopathy (PMID: 30847666, 32880476, 37477868). This variant has been identified in 12/249358 chromosomes in the general population by the Genome Aggregation Database (gnomAD). The available evidence is insufficient to determine the role of this variant in disease conclusively. Therefore, this variant is classified as a Variant of Uncertain Significance.

All of Us Research Program, National Institutes of Health
Classification: Uncertain significance for Arrhythmogenic right ventricular cardiomyopathy. Last evaluated: 2024-08-06. Review status: criteria provided, single submitter. Criteria: ACMG Guidelines, 2015. Collection method: clinical testing. Allele origin: germline. Inheritance: Autosomal dominant inheritance. Observed: 24 variant alleles, 24 heterozygotes.
Comment: This missense variant replaces valine with isoleucine at codon 288 of the DSG2 protein. Computational prediction suggests that this variant may not impact protein structure and function (internally defined REVEL score threshold <= 0.5, PMID: 27666373). To our knowledge, functional studies have not been reported for this variant. This variant has been reported in three individuals affected with unspecified cardiomyopathy and in another individual affected with dilated cardiomyopathy (PMID: 30847666, 32880476). This variant has been identified in 12/249358 chromosomes in the general population by the Genome Aggregation Database (gnomAD). The available evidence is insufficient to determine the role of this variant in disease conclusively. Therefore, this variant is classified as a Variant of Uncertain Significance.

This study involves interpretation of variants in research participants for the purpose of population health screening. Participant phenotype was not available at the time of variant classification. Additional details can be found in publication PMID: 35346344, PMCID: PMC8962531

GeneDx
Classification: Uncertain significance. Last evaluated: 2020-04-13. Review status: criteria provided, single submitter. Criteria: GeneDx Variant Classification Process June 2021. Collection method: clinical testing. Allele origin: germline. Affected: yes.
Comment: Has not been previously published as pathogenic or benign to our knowledge; Reported in ClinVar as a variant of uncertain significance (ClinVar Variant ID# 199829; Landrum et al., 2016); In silico analysis supports that this missense variant does not alter protein structure/function; This variant is associated with the following publications: (PMID: 30847666, 32880476)

Clinical Genetics, Academic Medical Center
Classification: Uncertain significance. Review status: no assertion criteria provided. Collection method: clinical testing. Allele origin: germline. Affected: yes. Study: VKGL Data-share Consensus. Not counted in ClinVar's aggregate classification.

Joint Genome Diagnostic Labs from Nijmegen and Maastricht, Radboudumc and MUMC+
Classification: Uncertain significance. Review status: no assertion criteria provided. Collection method: clinical testing. Allele origin: germline. Affected: yes. Study: VKGL Data-share Consensus. Not counted in ClinVar's aggregate classification.

Literature cited by the submitters: PubMed 30985088 (cited by Women's Health and Genetics/Laboratory Corporation of America, LabCorp); PubMed 32880476 (cited by 4 submitters); PubMed 30847666 (cited by 3 submitters); PubMed 37477868 (cited by Labcorp Genetics (formerly Invitae), Labcorp and Color Diagnostics, LLC DBA Color Health).

NM_001943.5(DSG2):c.862G>A (p.Val288Ile)

Gene: DSG2 (desmoglein 2; plus strand). Cytogenetic location: 18q12.1.
Variant type: single nucleotide variant.
Coding change: c.862G>A on transcript NM_001943.5 (MANE Select); coding-DNA position 862, G replaced by A.
Protein change: p.Val288Ile; replaces valine 288 with isoleucine.
Molecular consequence: missense variant.
Genome position (GRCh38, 1-based): chr18:31,524,736, G>A. VCF-style: chr18-31524736-G-A. GRCh37 (hg19) VCF-style: chr18-29104699-G-A.
Other names: p.V288I:GTA>ATA; c.862G>A (LRG_397t1); short protein forms V288I.
Identifiers: ClinVar variation 199829 (VCV000199829.27), dbSNP rs780374242, ClinGen allele CA022303.